The following is an entry in ClinVar:

NM_001849.4(COL6A2):c.1770G>A (p.Thr590=)

Gene: COL6A2 (collagen type VI alpha 2 chain; plus strand). Cytogenetic location: 21q22.3.
Variant type: single nucleotide variant.
Coding change: c.1770G>A on transcript NM_001849.4 (MANE Select); coding-DNA position 1770, G replaced by A.
Protein change: p.Thr590=; no amino-acid change (threonine 590 retained).
Molecular consequence: synonymous variant.
Genome position (GRCh38, 1-based): chr21:46,124,920, G>A. VCF-style: chr21-46124920-G-A. GRCh37 (hg19) VCF-style: chr21-47544834-G-A.
Other names: c.1770G>A, p.Thr590= (NM_058174.3, NM_058175.3).
Identifiers: ClinVar variation 496853 (VCV000496853.17), dbSNP rs150999832, ClinGen allele CA10072178.

ClinVar aggregate classification (germline): Uncertain significance. Review status: criteria provided, multiple submitters, no conflicts (2 of 4 stars). 4 submissions from 4 submitters: Uncertain significance (4). Last evaluated 2025-10-03.

Conditions:
Bethlem myopathy 1A. Also called: Bethlem Muscular Dystrophy; MYOPATHY, BENIGN CONGENITAL, WITH CONTRACTURES; Bethlem myopathy 1. Identifiers: Orphanet 610, MedGen CN029274, MONDO:0024530, OMIM 158810.

Allele frequency attached by ClinVar (database versions not stated): gnomAD 0.00003; gnomAD exomes 0.00004 and 0.00008; TOPMed 0.00007.
gnomAD v4.1: 70 of 1,612,744 alleles (0.0043%); highest among the groups gnomAD compares: Admixed American, 0.025%; no homozygotes.

Submissions (5):

Labcorp Genetics (formerly Invitae), Labcorp
Classification: Uncertain significance for Bethlem myopathy 1A. Last evaluated: 2025-10-03. Review status: criteria provided, single submitter. Criteria: Invitae Variant Classification Sherloc (09022015). Collection method: clinical testing. Allele origin: germline.
Comment: This sequence change affects codon 590 of the COL6A2 mRNA. It is a 'silent' change, meaning that it does not change the encoded amino acid sequence of the COL6A2 protein. This variant also falls at the last nucleotide of exon 23, which is part of the consensus splice site for this exon. This variant is present in population databases (rs150999832, gnomAD 0.03%). This variant has not been reported in the literature in individuals affected with COL6A2-related conditions. ClinVar contains an entry for this variant (Variation ID: 496853). Variants that disrupt the consensus splice site are a relatively common cause of aberrant splicing (PMID: 17576681, 9536098). Algorithms developed to predict the effect of sequence changes on RNA splicing suggest that this variant may disrupt the consensus splice site. In summary, the available evidence is currently insufficient to determine the role of this variant in disease. Therefore, it has been classified as a Variant of Uncertain Significance.

Revvity Omics, Revvity
Classification: Uncertain significance. Last evaluated: 2022-05-12. Review status: criteria provided, single submitter. Criteria: ACMG Guidelines, 2015. Collection method: clinical testing. Allele origin: germline.

Eurofins Ntd Llc (ga)
Classification: Uncertain significance. Last evaluated: 2017-04-04. Review status: criteria provided, single submitter. Criteria: EGL Classification Definitions 2015. Collection method: clinical testing. Allele origin: germline. Observed: 3 variant alleles, 3 heterozygotes.

Breakthrough Genomics
Classification: Uncertain significance. Review status: criteria provided, single submitter. Criteria: ACMG Guidelines, 2015. Collection method: not provided. Allele origin: germline. Inheritance: Autosomal dominant inheritance. Affected: yes.

Dr. Peter K. Rogan Lab, Western University
No classification provided (evidence only). Condition: Clear cell carcinoma of kidney. Review status: no classification provided. Collection method: in vitro. Allele origin: not applicable. Functional consequence: skipped exon, retained intron. Not counted in ClinVar's aggregate classification.

Literature cited by the submitters: PubMed 17576681 (cited by Labcorp Genetics (formerly Invitae), Labcorp); PubMed 9536098 (cited by Labcorp Genetics (formerly Invitae), Labcorp).